The following is an entry in ClinVar:

ClinVar aggregate classification (germline): Likely pathogenic (1 of 4 stars; one submission).

gnomAD v4.1: 2 of 1,613,644 alleles (0.00012%); highest among the groups gnomAD compares: Non-Finnish European, 0.00017%; no homozygotes.

Submission:

GeneDx
Classification: Likely pathogenic. Last evaluated: 2025-08-23. Review status: criteria provided, single submitter. Criteria: GeneDx Variant Classification Process June 2021. Collection method: clinical testing. Allele origin: germline. Affected: yes.
Comment: Canonical splice site variant predicted to result in a null allele in a gene for which loss of function is a known mechanism of disease; Not observed at significant frequency in large population cohorts (gnomAD); Has not been previously published as pathogenic or benign to our knowledge; This variant is associated with the following publications: (PMID: Garcia-Gonzalez2018[Presentation])

NM_000110.4(DPYD):c.2442+1G>T

Genes: DPYD (dihydropyrimidine dehydrogenase; minus strand), DPYD-AS1 (DPYD antisense RNA 1; plus strand). Cytogenetic location: 1p21.3.
Variant type: single nucleotide variant.
Coding change: c.2442+1G>T on transcript NM_000110.4 (MANE Select); the canonical splice donor site of the intron after coding-DNA position 2442, G replaced by T.
Molecular consequence: splice donor variant.
Genome position (GRCh38, 1-based): chr1:97,234,851, C>A on the plus strand (G>T on the coding strand, the complement: DPYD is on the minus strand). VCF-style: chr1-97234851-C-A. GRCh37 (hg19) VCF-style: chr1-97700407-C-A.
Identifiers: ClinVar variation 4796658 (VCV004796658.1).